The following continues an entry in ClinVar:

NM_000059.4(BRCA2):c.4258G>T (p.Asp1420Tyr)

Gene: BRCA2. ClinVar aggregate classification (germline): Benign. Benign (1).

Submissions 25 to 44 of 44:

Eurofins Ntd Llc (ga)
Classification: Benign. Last evaluated: 2014-11-12. Review status: criteria provided, single submitter. Criteria: EGL Classification Definitions 2015. Collection method: clinical testing. Allele origin: germline. Observed: 3 variant alleles, 3 heterozygotes. Not counted in ClinVar's aggregate classification.

Molecular Genetics Laboratory, University of Michigan
Classification: Benign for Breast-ovarian cancer, familial, susceptibility to, 2. Last evaluated: 2014-11-03. Review status: criteria provided, single submitter. Criteria: ACMG Guidelines, 2015. Collection method: clinical testing. Allele origin: germline. Affected: yes. Not counted in ClinVar's aggregate classification.

Genome Diagnostics Laboratory, University Medical Center Utrecht
Classification: Benign for Breast-ovarian cancer, familial, susceptibility to, 2. Last evaluated: 2014-10-09. Review status: criteria provided, single submitter. Criteria: ACGS Guidelines, 2013. Collection method: clinical testing. Allele origin: germline. Affected: yes. Study: VKGL Data-share Consensus. Not counted in ClinVar's aggregate classification.

Women's Health and Genetics/Laboratory Corporation of America, LabCorp
Classification: Benign for Hereditary breast ovarian cancer syndrome. Last evaluated: 2014-04-07. Review status: criteria provided, single submitter. Criteria: LabCorp Variant Classification Summary - May 2015. Collection method: clinical testing. Allele origin: germline. Not counted in ClinVar's aggregate classification.

GeneDx
Classification: Benign. Last evaluated: 2013-10-09. Review status: criteria provided, single submitter. Criteria: GeneDx Variant Classification (06012015). Collection method: clinical testing. Allele origin: germline. Affected: yes. Not counted in ClinVar's aggregate classification.
Comment: This variant is considered likely benign or benign based on one or more of the following criteria: it is a conservative change, it occurs at a poorly conserved position in the protein, it is predicted to be benign by multiple in silico algorithms, and/or has population frequency not consistent with disease.

Breakthrough Genomics
Classification: Benign. Review status: criteria provided, single submitter. Criteria: ACMG Guidelines, 2015. Collection method: not provided. Allele origin: germline. Inheritance: Autosomal recessive inheritance. Affected: yes. Not counted in ClinVar's aggregate classification.

True Health Diagnostics
Classification: Benign for Hereditary cancer-predisposing syndrome. Last evaluated: 2018-01-05. Review status: no assertion criteria provided. Collection method: clinical testing. Allele origin: germline. Not counted in ClinVar's aggregate classification.

Mayo Clinic Laboratories, Mayo Clinic
Classification: Benign. Last evaluated: 2016-12-12. Review status: no assertion criteria provided. Collection method: clinical testing. Allele origin: unknown. Not counted in ClinVar's aggregate classification.

Pathway Genomics
Classification: Likely benign for hereditary breast and ovarian cancer, BROVCA2. Last evaluated: 2014-07-24. Review status: no assertion criteria provided. Collection method: literature only. Allele origin: germline. Not counted in ClinVar's aggregate classification.

Counsyl
Classification: Likely benign for Breast-ovarian cancer, familial 2. Last evaluated: 2014-01-02. Review status: no assertion criteria provided. Collection method: literature only. Allele origin: unknown. Inheritance: Autosomal dominant inheritance. Not counted in ClinVar's aggregate classification.

ITMI
No classification provided. Condition: AllHighlyPenetrant. Last evaluated: 2013-09-19. Review status: no classification provided. Collection method: reference population. Allele origin: germline. Not counted in ClinVar's aggregate classification.
Comment: Please see associated publication for description of ethnicities

Biesecker Lab/Clinical Genomics Section, National Institutes of Health
Classification: Benign. Last evaluated: 2012-07-13. Review status: no assertion criteria provided. Collection method: research. Allele origin: germline. Affected: no. Observed: 6 variant alleles. Study: ClinSeq. Not counted in ClinVar's aggregate classification.
ClinVar note: Converted during submission from no known pathogenicity to Benign.

Sharing Clinical Reports Project (SCRP)
Classification: Benign for Breast-ovarian cancer, familial 2. Last evaluated: 2012-05-01. Review status: no assertion criteria provided. Collection method: clinical testing. Allele origin: germline. Not counted in ClinVar's aggregate classification.

Breast Cancer Information Core (BIC) (BRCA2)
No classification provided. Condition: Breast-ovarian cancer, familial 2. Review status: no classification provided. Collection method: clinical testing. Allele origin: germline. Affected: yes. Observed: 201 variant alleles. Not counted in ClinVar's aggregate classification.

Clinical Genetics Laboratory, Department of Pathology, Netherlands Cancer Institute
Classification: Benign. Review status: no assertion criteria provided. Collection method: clinical testing. Allele origin: germline. Affected: yes. Study: VKGL Data-share Consensus. Not counted in ClinVar's aggregate classification.

Department of Pathology and Laboratory Medicine, Sinai Health System
Classification: Benign for Malignant tumor of breast. Review status: no assertion criteria provided. Collection method: clinical testing. Allele origin: unknown. Affected: yes. Study: The Canadian Open Genetics Repository (COGR). Not counted in ClinVar's aggregate classification.
Comment: The p.Asp1420Tyr variant has been previously reported in the literature in 203 of 18968 proband chromosomes (frequency of 0.011) with breast and ovarian cancer, and was also identified in 109 of 8530 (frequency of 0.013) control chromosomes increasing the likelihood that this is a low frequency benign variant It is listed in dbSNP database as coming from a "clinical source" (ID#: rs28897727) with a global minor allele frequency (MAF) of 0.001/2, and has an average heterozygosity of 0.008+/-0.062, increasing the likelihood that it is a benign variant. The Asp1420 residue is not highly conserved in mammals and computational analyses (PolyPhen2, SIFT, AlignGVGD) provide inconsistent predictions regarding the impact to the protein. However, this information is not predictive enough to rule out pathogenicity. Functional studies have shown that compared to the wild-type protein, the p.Asp1420Tyr variant showed similar repair capacity and protein interactions, particularly with RAD51 (Davies_2001_11239456, Galkin_2005_15937124, Kuznetsov_2008_18607349). In addition, in two studies, one of which was a case control study, the allele frequency was higher in controls compared to the proband (Dombernowsky_2009_19661094, Stuppia_2003_12872265), thereby increasing the likelihood that this variant does not have clinical significance. Myriad genetics classifies this variant as a polymorphism, increasing the likelihood this variant is benign. In summary, we cannot rule out the possibility that this variant may contribute to the phenotype in these individuals, but based on the above information this variant is classified as benign.

Diagnostic Laboratory, Department of Genetics, University Medical Center Groningen
Classification: Benign for Breast-ovarian cancer, familial, susceptibility to, 2. Review status: no assertion criteria provided. Collection method: clinical testing. Allele origin: germline. Affected: yes. Study: VKGL Data-share Consensus. Not counted in ClinVar's aggregate classification.

Foulkes Cancer Genetics LDI, Lady Davis Institute for Medical Research
Classification: Likely benign for Breast-ovarian cancer, familial, susceptibility to, 2. Review status: no assertion criteria provided. Collection method: clinical testing. Allele origin: unknown. Affected: yes. Study: The Canadian Open Genetics Repository (COGR). Not counted in ClinVar's aggregate classification.

Joint Genome Diagnostic Labs from Nijmegen and Maastricht, Radboudumc and MUMC+
Classification: Benign. Review status: no assertion criteria provided. Collection method: clinical testing. Allele origin: germline. Affected: yes. Study: VKGL Data-share Consensus. Not counted in ClinVar's aggregate classification.

Laboratory of Diagnostic Genome Analysis, Leiden University Medical Center (LUMC)
Classification: Benign. Review status: no assertion criteria provided. Collection method: clinical testing. Allele origin: germline. Affected: yes. Study: VKGL Data-share Consensus. Not counted in ClinVar's aggregate classification.

Literature cited by the submitters: PubMed 21990134 (cited by Evidence-based Network for the Interpretation of Germline Mutant Alleles (ENIGMA)); DOI 10.3389/fgene.2022.834265 (cited by National Health Laboratory Service, Universitas Academic Hospital and University of the Free State); PubMed 36329109 (cited by Genetics Program, Instituto Nacional de Cancer); PubMed 9971877 (cited by Illumina Laboratory Services, Illumina and Counsyl); PubMed 18607349 (cited by Illumina Laboratory Services, Illumina); PubMed 16905680 (cited by Women's Health and Genetics/Laboratory Corporation of America, LabCorp); PubMed 12215251 (cited by Women's Health and Genetics/Laboratory Corporation of America, LabCorp and Pathway Genomics); PubMed 18284688 (cited by Women's Health and Genetics/Laboratory Corporation of America, LabCorp); PubMed 15635067 (cited by Women's Health and Genetics/Laboratory Corporation of America, LabCorp); PubMed 14507240 (cited by Women's Health and Genetics/Laboratory Corporation of America, LabCorp); PubMed 23767878 (cited by Women's Health and Genetics/Laboratory Corporation of America, LabCorp); PubMed 24728327 (cited by Pathway Genomics and ITMI); PubMed 21702907 (cited by Counsyl); PubMed 21952622 (cited by Counsyl); PubMed 21520273 (cited by Counsyl).